The following is an entry in ClinVar:

ClinVar aggregate classification (germline): Uncertain significance. Review status: criteria provided, multiple submitters, no conflicts (2 of 4 stars). 4 submissions from 4 submitters: Uncertain significance (4). Last evaluated 2025-10-21.

Conditions:
Melanoma, cutaneous malignant, susceptibility to, 8. Also called: MELANOMA AND RENAL CELL CARCINOMA, SUSCEPTIBILITY TO; Cutaneous malignant melanoma 8. Identifiers: Orphanet 293822, MedGen C3152204, MONDO:0013759, OMIM 614456.
Tietz syndrome (TADS). Also called: HYPOPIGMENTATION/DEAFNESS OF TIETZ; ALBINISM-DEAFNESS OF TIETZ; TIETZ ALBINISM-DEAFNESS SYNDROME. Identifiers: Orphanet 42665, MedGen C0391816, MONDO:0007077, OMIM 103500.
Waardenburg syndrome type 2A (WS2A). Also called: WAARDENBURG SYNDROME WITHOUT DYSTOPIA CANTHORUM. Identifiers: Orphanet 3440, MedGen C1860339, MONDO:0008671, OMIM 193510.
Oculocutaneous albinism type 4 (OCA4). Also called: Albinism, oculocutaneous, type IV. Identifiers: Orphanet 79435, MedGen C1847836, MONDO:0011683, OMIM 606574.
Hereditary cancer-predisposing syndrome. Also called: Neoplastic Syndromes, Hereditary; Hereditary Cancer Syndrome; Tumor predisposition; Hereditary neoplastic syndrome. Identifiers: Orphanet 140162, MedGen C0027672, MeSH D009386, MONDO:0015356.

Allele frequency attached by ClinVar (database versions not stated): gnomAD 0.00001; gnomAD exomes 0.00001.

Submissions (4):

Labcorp Genetics (formerly Invitae), Labcorp
Classification: Uncertain significance for Melanoma, cutaneous malignant, susceptibility to, 8; Waardenburg syndrome type 2A; Tietz syndrome. Last evaluated: 2025-10-21. Review status: criteria provided, single submitter. Criteria: Invitae Variant Classification Sherloc (09022015). Collection method: clinical testing. Allele origin: germline.
Comment: This sequence change replaces leucine, which is neutral and non-polar, with isoleucine, which is neutral and non-polar, at codon 168 of the MITF protein (p.Leu168Ile). This variant is present in population databases (rs763339433, gnomAD 0.006%). This variant has not been reported in the literature in individuals affected with MITF-related conditions. ClinVar contains an entry for this variant (Variation ID: 1305042). Invitae Evidence Modeling of protein sequence and biophysical properties (such as structural, functional, and spatial information, amino acid conservation, physicochemical variation, residue mobility, and thermodynamic stability) indicates that this missense variant is not expected to disrupt MITF protein function with a negative predictive value of 80%. In summary, the available evidence is currently insufficient to determine the role of this variant in disease. Therefore, it has been classified as a Variant of Uncertain Significance.

Ambry Genetics
Classification: Uncertain significance for Hereditary cancer-predisposing syndrome. Last evaluated: 2024-12-21. Review status: criteria provided, single submitter. Criteria: Ambry Variant Classification Scheme 2023. Collection method: clinical testing. Allele origin: germline.
Comment: The p.L168I variant (also known as c.502C>A), located in coding exon 5 of the MITF gene, results from a C to A substitution at nucleotide position 502. The leucine at codon 168 is replaced by isoleucine, an amino acid with highly similar properties. This amino acid position is conserved. In addition, this alteration is predicted to be tolerated by in silico analysis. Based on the available evidence, the clinical significance of this variant remains unclear.

GeneDx
Classification: Uncertain significance. Last evaluated: 2021-04-28. Review status: criteria provided, single submitter. Criteria: GeneDx Variant Classification Process June 2021. Collection method: clinical testing. Allele origin: germline. Affected: yes.
Comment: In silico analysis supports that this missense variant does not alter protein structure/function; Has not been previously published as pathogenic or benign to our knowledge

Neuberg Centre For Genomic Medicine, NCGM
Classification: Uncertain significance for Oculocutaneous albinism type 4. Review status: criteria provided, single submitter. Criteria: ACMG Guidelines, 2015. Collection method: clinical testing. Allele origin: germline. Inheritance: Autosomal dominant inheritance. Affected: yes.
Comment: The missense variant p.L275I in MITF (NM_001354604.2) has been reported to clinvar as Uncertain Significance. The p.L275I variant is observed in 2/30,610 (0.0065%) alleles from individuals of South Asian background in gnomAD Exomes and is novel (not in any individuals) in 1000 Genomes. There is a small physicochemical difference between leucine and isoleucine, which is not likely to impact secondary protein structure as these residues share similar properties. In silico tools predict the variant to be tolerated. The residue is conserved across species. The amino acid change p.Leu168Ile in MITF is predicted as conserved by GERP++ and PhyloP across 100 vertebrates. For these reasons, this variant has been classified as Uncertain Significance.

NM_001354604.2(MITF):c.823C>A (p.Leu275Ile)

Gene: MITF (melanocyte inducing transcription factor; plus strand). Cytogenetic location: 3p13.
Variant type: single nucleotide variant.
Coding change: c.823C>A on transcript NM_001354604.2 (MANE Select); coding-DNA position 823, C replaced by A.
Protein change: p.Leu275Ile; replaces leucine 275 with isoleucine.
Molecular consequence: missense variant.
Genome position (GRCh38, 1-based): chr3:69,949,111, C>A. VCF-style: chr3-69949111-C-A. GRCh37 (hg19) VCF-style: chr3-69998262-C-A.
Other names: c.502C>A, p.Leu168Ile (NM_000248.4, NM_198158.3); c.667C>A, p.Leu223Ile (NM_001184967.2, NM_001354608.2); c.820C>A, p.Leu274Ile (NM_001354605.2, NM_001354606.2, NM_006722.3); c.772C>A, p.Leu258Ile (NM_001354607.2); c.823C>A, p.Leu275Ile (NM_198159.3); c.775C>A, p.Leu259Ile (NM_198177.3); c.334C>A, p.Leu112Ile (NM_198178.3); short protein forms L112I, L168I, L223I, L258I, L259I, L274I, L275I.
Identifiers: ClinVar variation 1305042 (VCV001305042.6), dbSNP rs763339433, ClinGen allele CA77001741.
Genomic context (GRCh38, chr3:69,949,111, plus strand): 5'-TTGCCTGTCTCGGGAAACTTGATTGATCTTTATGGAAACCAAGGTCTGCCCCCACCAGGC[C>A]TCACCATCAGCAACTCCTGTCCAGCCAACCTTCCCAACATAAAAAGGGAGCTCACAGGTA-3'
Protein context (NP_001341533.1, residues 265-285): YGNQGLPPPG[Leu275Ile]TISNSCPANL